The following is an entry in ClinVar:

NM_006206.6(PDGFRA):c.201C>T (p.Ser67=)

Gene: PDGFRA (platelet derived growth factor receptor alpha; plus strand). Cytogenetic location: 4q12.
Variant type: single nucleotide variant.
Coding change: c.201C>T on transcript NM_006206.6 (MANE Select); coding-DNA position 201, C replaced by T.
Protein change: p.Ser67=; no amino-acid change (serine 67 retained).
Molecular consequence: synonymous variant.
Genome position (GRCh38, 1-based): chr4:54,261,246, C>T. VCF-style: chr4-54261246-C-T. GRCh37 (hg19) VCF-style: chr4-55127413-C-T.
Other names: c.201C>T, p.Ser67= (NM_001347827.2, NM_001347829.2); c.276C>T, p.Ser92= (NM_001347828.2); c.240C>T, p.Ser80= (NM_001347830.2).
Identifiers: ClinVar variation 240322 (VCV000240322.57), dbSNP rs35805947, ClinGen allele CA2922243.

ClinVar aggregate classification (germline): Benign/Likely benign. Review status: criteria provided, multiple submitters, no conflicts (2 of 4 stars). 10 submissions from 9 submitters: Benign (4); Likely benign (6). Last evaluated 2026-08-01.

Conditions:
Polyps, multiple and recurrent inflammatory fibroid, gastrointestinal. Identifiers: MedGen C5193005, MONDO:0008285, OMIM 175510.
Hereditary cancer-predisposing syndrome. Also called: Hereditary neoplastic syndrome; Hereditary Cancer Syndrome; Neoplastic Syndromes, Hereditary; Tumor predisposition. Identifiers: Orphanet 140162, MedGen C0027672, MeSH D009386, MONDO:0015356.
Gastrointestinal stromal tumor. Also called: Gastrointestinal stroma tumor; Gastrointestinal stromal tumor, somatic. Identifiers: Orphanet 44890, MedGen C0238198, MeSH D046152, MONDO:0011719, OMIM 606764, HP:0100723.
Idiopathic hypereosinophilic syndrome (HES). Identifiers: Orphanet 3260, MedGen C0206141, MONDO:0011895, OMIM 607685. Disease mechanism: gain of function.

Allele frequency attached by ClinVar (database versions not stated): 1000 Genomes Project 0.00280; 1000 Genomes Project 30x 0.00281; gnomAD exomes 0.00298 and 0.00328; ExAC 0.00313; TOPMed 0.00399; gnomAD 0.00410 and 0.00429; ESP Exome Variant Server 0.00438.
gnomAD v4.1: 5,406 of 1,614,014 alleles (0.33%); highest among the groups gnomAD compares: African/African-American, 0.78%; 5 homozygotes.

Submissions (10):

CeGaT Center for Human Genetics Tuebingen
Classification: Likely benign. Last evaluated: 2026-08-01. Review status: criteria provided, single submitter. Criteria: CeGaT Center For Human Genetics Tuebingen Variant Classification Criteria Version 2. Collection method: clinical testing. Allele origin: germline. Affected: yes. Observed: 24 variant alleles.
Comment: PDGFRA: BP4, BP7

Myriad Genetics, Inc.
Classification: Benign for Polyps, multiple and recurrent inflammatory fibroid, gastrointestinal. Last evaluated: 2026-06-16. Review status: criteria provided, single submitter. Criteria: Myriad Autosomal Dominant, Autosomal Recessive and X-Linked Classification Criteria (2023). Collection method: clinical testing. Allele origin: unknown.
Comment: This variant is considered benign. This variant is a silent/synonymous amino acid change and it is not expected to impact splicing.

Labcorp Genetics (formerly Invitae), Labcorp
Classification: Benign for Gastrointestinal stromal tumor. Last evaluated: 2026-02-04. Review status: criteria provided, single submitter. Criteria: Invitae Variant Classification Sherloc (09022015). Collection method: clinical testing. Allele origin: germline.

Blueprint Genetics
Classification: Likely benign. Last evaluated: 2024-11-25. Review status: criteria provided, single submitter. Criteria: ACMG Guidelines, 2015. Collection method: clinical testing. Allele origin: germline.

Genetic Services Laboratory, University of Chicago
Classification: Likely benign. Last evaluated: 2021-09-13. Review status: criteria provided, single submitter. Criteria: ACMG Guidelines, 2015. Collection method: clinical testing. Allele origin: germline. Affected: no.

GeneDx
Classification: Likely benign. Last evaluated: 2021-04-19. Review status: criteria provided, single submitter. Criteria: GeneDx Variant Classification Process June 2021. Collection method: clinical testing. Allele origin: germline. Affected: yes.

Sema4
Classification: Benign for Hereditary cancer-predisposing syndrome. Last evaluated: 2020-10-22. Review status: criteria provided, single submitter. Criteria: Sema4 Curation Guidelines. Collection method: curation. Allele origin: germline.

Ambry Genetics
Classification: Likely benign for Hereditary cancer-predisposing syndrome. Last evaluated: 2018-09-27. Review status: criteria provided, single submitter. Criteria: Ambry Variant Classification Scheme 2023. Collection method: clinical testing. Allele origin: germline.

Illumina Laboratory Services, Illumina
Classification: Likely benign for Gastrointestinal stromal tumor. Last evaluated: 2018-01-13. Review status: criteria provided, single submitter. Criteria: ICSL Variant Classification Criteria 13 December 2019. Collection method: clinical testing. Allele origin: germline.
Comment: This variant was observed in the ICSL laboratory as part of a predisposition screen in an ostensibly healthy population. It had not been previously curated by ICSL or reported in the Human Gene Mutation Database (HGMD: prior to June 1st, 2018), and was therefore a candidate for classification through an automated scoring system. Utilizing variant allele frequency, disease prevalence and penetrance estimates, and inheritance mode, an automated score was calculated to assess if this variant is too frequent to cause the disease. Based on the score and internal cut-off values, a variant classified as likely benign is not then subjected to further curation. The score for this variant resulted in a classification of likely benign for this disease.

Illumina Laboratory Services, Illumina
Classification: Benign for Idiopathic hypereosinophilic syndrome. Last evaluated: 2018-01-13. Review status: criteria provided, single submitter. Criteria: ICSL Variant Classification Criteria 13 December 2019. Collection method: clinical testing. Allele origin: germline.
Comment: This variant was observed in the ICSL laboratory as part of a predisposition screen in an ostensibly healthy population. It had not been previously curated by ICSL or reported in the Human Gene Mutation Database (HGMD: prior to June 1st, 2018), and was therefore a candidate for classification through an automated scoring system. Utilizing variant allele frequency, disease prevalence and penetrance estimates, and inheritance mode, an automated score was calculated to assess if this variant is too frequent to cause the disease. Based on the score and internal cut-off values, a variant classified as benign is not then subjected to further curation. The score for this variant resulted in a classification of benign for this disease.